The following is an entry in ClinVar:

NM_001261826.3(AP3D1):c.3597G>A (p.Thr1199=)

Gene: AP3D1 (adaptor related protein complex 3 subunit delta 1; minus strand). Cytogenetic location: 19p13.3.
Variant type: single nucleotide variant.
Coding change: c.3597G>A on transcript NM_001261826.3 (MANE Select); coding-DNA position 3597, G replaced by A.
Protein change: p.Thr1199=; no amino-acid change (threonine 1199 retained).
Molecular consequence: synonymous variant.
Genome position (GRCh38, 1-based): chr19:2,102,224, C>T on the plus strand (G>A on the coding strand, the complement: AP3D1 is on the minus strand). VCF-style: chr19-2102224-C-T. GRCh37 (hg19) VCF-style: chr19-2102223-C-T.
Other names: c.3561G>A, p.Thr1187= (NM_001374799.1); c.3411G>A, p.Thr1137= (NM_003938.8); c.3597G>A (NM_001261826.1).
Identifiers: ClinVar variation 1656620 (VCV001656620.10), dbSNP rs201880859, ClinGen allele CA9058310.
Genomic context (GRCh38, chr19:2,102,224, plus strand): 5'-AGGCAGCTCTCAACACTTGGCCAGCGTCGCCTTCATCTCTTCTAACAAGTTGCTCAGTAG[C>T]GTGGAGTCACTGCACTTCCCGTCGACTGAGACAGAGTTCTCACCCTGTGTAAGGAAAAAA-3'
Protein context (NP_001248755.1, residues 1189-1209): VSVDGKCSDS[Thr1199=]LLSNLLEEMK

ClinVar aggregate classification (germline): Likely benign. Review status: criteria provided, single submitter (1 of 4 stars). 2 submissions from 2 submitters: Likely benign (1). 1 of the submissions does not count toward it. Last evaluated 2024-12-09.

Conditions:
AP3D1-related disorder. Also called: AP3D1-related condition.

Allele frequency attached by ClinVar (database versions not stated): gnomAD exomes 0.00001 and 0.00003; ExAC 0.00002; gnomAD 0.00008; TOPMed 0.00008; 1000 Genomes Project 30x 0.00016; ESP Exome Variant Server 0.00016; 1000 Genomes Project 0.00020.
gnomAD v4.1: 25 of 1,614,058 alleles (0.0015%); highest among the groups gnomAD compares: African/African-American, 0.02%; no homozygotes.

Submissions (2):

Labcorp Genetics (formerly Invitae), Labcorp
Classification: Likely benign. Last evaluated: 2024-12-09. Review status: criteria provided, single submitter. Criteria: Invitae Variant Classification Sherloc (09022015). Collection method: clinical testing. Allele origin: germline.

PreventionGenetics, part of Exact Sciences
Classification: Likely benign for AP3D1-related condition. Last evaluated: 2019-06-24. Review status: no assertion criteria provided. Collection method: clinical testing. Allele origin: germline. Not counted in ClinVar's aggregate classification.
Comment: This variant is classified as likely benign based on ACMG/AMP sequence variant interpretation guidelines (Richards et al. 2015 PMID: 25741868, with internal and published modifications).